The following is an entry in ClinVar:

ClinVar aggregate classification (germline): Pathogenic (1 of 4 stars; one submission).

Conditions:
Familial adenomatous polyposis 1 (FAP1). Also called: POLYPOSIS, ADENOMATOUS INTESTINAL; FAMILIAL ADENOMATOUS POLYPOSIS 1, ATTENUATED. Identifiers: MedGen C2713442, MONDO:0021056, OMIM 175100. Disease mechanism: loss of function.

Submission:

Labcorp Genetics (formerly Invitae), Labcorp
Classification: Pathogenic for Familial adenomatous polyposis 1. Last evaluated: 2021-08-28. Review status: criteria provided, single submitter. Criteria: Invitae Variant Classification Sherloc (09022015). Collection method: clinical testing. Allele origin: unknown.
Comment: For these reasons, this variant has been classified as Pathogenic. A different truncation (p.Tyr2645Lysfs*14) that lies downstream of this variant has been determined to be pathogenic (PMID: 9824584, 1316610, 27081525, 8381579, 22135120, Invitae). This suggests that deletion of this region of the APC protein is causative of disease. This variant is expected to disrupt the EB1 and HDLG binding sites, which mediate interactions with the cytoskeleton (PMID: 15311282, 17293347). While functional studies have not been performed to directly test the effect on APC protein function, this suggests that disruption of the C-terminal portion of the protein is functionally important. Similar deletions of exon 16 have been observed in individuals affected with clinical features of familial adenomatous polyposis (PMID: 15689459, 17568392). Exon 16 has also been reported as exon 15 in the literature. This variant is a gross deletion of the genomic region encompassing part of exon 16 of the APC gene. The 5' end of this event occurs in exon 16 (c.3411) of the APC gene. The 3' end of this event extends through the termination codon beyond the assayed region for this gene. While this deletion is not anticipated to result in nonsense mediated decay, it is expected to create a truncated protein product or disrupt mRNA translation.

Literature cited by the submitters: PubMed 9824584; PubMed 1316610; PubMed 27081525; PubMed 8381579; PubMed 22135120; PubMed 15311282; PubMed 17293347; PubMed 15689459; PubMed 17568392.

NC_000005.9:g.(?_112174702)_(112203173_?)del

Genes: APC (APC regulator of Wnt signaling pathway; plus strand), SRP19 (signal recognition particle 19; plus strand). Cytogenetic location: 5q22.2.
Variant type: Deletion.
Identifiers: ClinVar variation 3246384 (VCV003246384.1).